The following is an entry in ClinVar:

NM_012330.4(KAT6B):c.3194C>T (p.Ser1065Phe)

Gene: KAT6B (lysine acetyltransferase 6B; plus strand). Cytogenetic location: 10q22.2.
Variant type: single nucleotide variant.
Coding change: c.3194C>T on transcript NM_012330.4 (MANE Select); coding-DNA position 3194, C replaced by T.
Protein change: p.Ser1065Phe; replaces serine 1065 with phenylalanine.
Molecular consequence: missense variant.
Genome position (GRCh38, 1-based): chr10:75,022,053, C>T. VCF-style: chr10-75022053-C-T. GRCh37 (hg19) VCF-style: chr10-76781811-C-T.
Other names: c.2645C>T, p.Ser882Phe (NM_001256468.2, NM_001370138.1); c.2318C>T, p.Ser773Phe (NM_001256469.2, NM_001370139.1, NM_001370140.1 and 2 more transcripts); c.2156C>T, p.Ser719Phe (NM_001370132.1); c.1505C>T, p.Ser502Phe (NM_001370133.1); c.1109C>T, p.Ser370Phe (NM_001370134.1); c.851C>T, p.Ser284Phe (NM_001370135.1); c.3194C>T, p.Ser1065Phe (NM_001370136.1, NM_001370137.1); c.2129C>T, p.Ser710Phe (NM_001370143.1, NM_001370144.1); short protein forms S284F, S502F, S710F, S773F, S370F, S719F, S1065F, S882F.
Identifiers: ClinVar variation 3715772 (VCV003715772.2).

ClinVar aggregate classification (germline): Uncertain significance (1 of 4 stars; one submission).

Conditions:
Genitopatellar syndrome (GTPTS). Also called: ABSENT PATELLAE, SCROTAL HYPOPLASIA, RENAL ANOMALIES, FACIAL DYSMORPHISM, AND MENTAL RETARDATION; Genitopatellar syndrome (GPS). Identifiers: Orphanet 85201, MedGen C1853566, MONDO:0011640, OMIM 606170.

gnomAD v4.1: 33 of 1,612,474 alleles (0.002%); highest among the groups gnomAD compares: Non-Finnish European, 0.0026%; no homozygotes.

Submission:

Labcorp Genetics (formerly Invitae), Labcorp
Classification: Uncertain significance for Genitopatellar syndrome. Last evaluated: 2026-01-25. Review status: criteria provided, single submitter. Criteria: Invitae Variant Classification Sherloc (09022015). Collection method: clinical testing. Allele origin: germline.
Comment: This sequence change replaces serine, which is neutral and polar, with phenylalanine, which is neutral and non-polar, at codon 1065 of the KAT6B protein (p.Ser1065Phe). This variant is present in population databases (no rsID available, gnomAD 0.002%). This variant has not been reported in the literature in individuals affected with KAT6B-related conditions. ClinVar contains an entry for this variant (Variation ID: 3715772). Invitae Evidence Modeling of protein sequence and biophysical properties (such as structural, functional, and spatial information, amino acid conservation, physicochemical variation, residue mobility, and thermodynamic stability) indicates that this missense variant is not expected to disrupt KAT6B protein function with a negative predictive value of 80%. In summary, the available evidence is currently insufficient to determine the role of this variant in disease. Therefore, it has been classified as a Variant of Uncertain Significance.